The following is an entry in ClinVar:

NM_014251.3(SLC25A13):c.848+3A>C

Gene: SLC25A13 (solute carrier family 25 member 13; minus strand). Cytogenetic location: 7q21.3.
Variant type: single nucleotide variant.
Coding change: c.848+3A>C on transcript NM_014251.3 (MANE Select); 3 bases into the intron after coding-DNA position 848, A replaced by C.
Molecular consequence: intron variant.
Genome position (GRCh38, 1-based): chr7:96,189,578, T>G on the plus strand (A>C on the coding strand, the complement: SLC25A13 is on the minus strand). VCF-style: chr7-96189578-T-G. GRCh37 (hg19) VCF-style: chr7-95818890-T-G.
Other names: c.848+3A>C (NM_001160210.2).
Identifiers: ClinVar variation 850379 (VCV000850379.16), dbSNP rs369402461, ClinGen allele CA4353146.

ClinVar aggregate classification (germline): Pathogenic/Likely pathogenic. Review status: criteria provided, multiple submitters, no conflicts (2 of 4 stars). 7 submissions from 6 submitters: Pathogenic (2); Likely pathogenic (5). Last evaluated 2025-11-04.

Conditions:
Citrin deficiency. Identifiers: Orphanet 247582, MedGen C1997910, MONDO:0016602.
Citrullinemia type II. Also called: Citrullinemia Type II (CTLN2). Identifiers: Orphanet 247585, MedGen C1863844, MONDO:0016603.
Neonatal intrahepatic cholestasis due to citrin deficiency (CDNI). Also called: Neonatal Intrahepatic Cholestasis Caused by Citrin Deficiency (NICCD); Neonatal-onset citrullinemia type II; Neonatal-onset citrullinemia type 2; CITRIN DEFICIENCY, NEONATAL OR INFANTILE ONSET. Identifiers: Orphanet 247598, MedGen C1853942, MONDO:0011601, OMIM 605814.
Citrullinemia, type II, adult-onset (CDAA). Also called: CITRIN DEFICIENCY, ADOLESCENT OR ADULT ONSET. Identifiers: Orphanet 247585, MedGen CN295299, MONDO:0011326, OMIM 603471.
Citrullinemia. Identifiers: Orphanet 187, MedGen C0175683, MONDO:0015991.

Allele frequency attached by ClinVar (database versions not stated): gnomAD 0.00008 and 0.00009; ESP Exome Variant Server 0.00031; gnomAD exomes 0.00005 and 0.00011; ExAC 0.00008; TOPMed 0.00010.
gnomAD v4.1: 168 of 1,571,708 alleles (0.011%); highest among the groups gnomAD compares: Non-Finnish European, 0.014%; no homozygotes.

Submissions (7):

Natera, Inc.
Classification: Likely pathogenic for Citrullinemia. Last evaluated: 2025-11-04. Review status: criteria provided, single submitter. Criteria: Natera Variant Classification Schema (03/2026). Collection method: clinical testing. Allele origin: germline.
Comment: The c.848+3A>C variant in SLC25A13 is an intronic variant located outside the canonical splice sites. This variant is rare in the general population with a frequency below the threshold expected for the associated phenotype(s). This variant has been observed in one or more individuals affected with the associated recessive disease, as either homozygous or compound heterozygous with a second variant (PMID: 18487280, 19036621). Functional studies show that this variant may disrupt protein function (PMID: 18487280). Computational prediction algorithms indicate this variant is likely to affect gene or protein function. Given the available evidence, this variant is classified as Likely Pathogenic.

Dasa
Classification: Likely pathogenic. Last evaluated: 2025-09-18. Review status: criteria provided, single submitter. Criteria: DASA Assertion Criteria. Collection method: clinical testing. Allele origin: germline.
Comment: NM_014251.3(SLC25A13):c.848+3A>C is a splice-region variant predicted to affect normal RNA splicing. This variant has been recurrently observed in individuals with SLC25A13-related disorders (PMID: 18487280; PMID: 19036621). Also, this variant is rare in population databases. Computational evidence supports a deleterious effect. Based on the currently available evidence, this variant is classified as likely pathogenic.

Women's Health and Genetics/Laboratory Corporation of America, LabCorp
Classification: Likely pathogenic for Citrullinemia type II. Last evaluated: 2025-08-25. Review status: criteria provided, single submitter. Criteria: LabCorp Variant Classification Summary - May 2015. Collection method: clinical testing. Allele origin: germline.
Comment: Variant summary: SLC25A13 c.848+3A>C alters a conserved nucleotide located close to a canonical splice site and therefore could affect mRNA splicing, leading to a significantly altered protein sequence. Several computational tools predict a significant impact on normal splicing: Two predict the variant weakens a 5' donor site. However, these predictions have yet to be confirmed by functional studies. The variant allele was found at a frequency of 4.6e-05 in 241382 control chromosomes (gnomAD). This frequency is not significantly higher than estimated for a pathogenic variant in SLC25A13 causing Citrullinemia Type II (4.6e-05 vs 0.0035), allowing no conclusion about variant significance. c.848+3A>C has been reported in the literature in compound heterozygous individuals affected with citrin deficiency or suspected citrin deficiency (Wong_2008, Dimmock_2009). These data indicate that the variant is likely to be associated with disease. To our knowledge, no experimental evidence demonstrating an impact on protein function has been reported. The following publications have been ascertained in the context of this evaluation (PMID: 19036621, 18487280). ClinVar contains an entry for this variant (Variation ID: 850379). Based on the evidence outlined above, the variant was classified as likely pathogenic.

Labcorp Genetics (formerly Invitae), Labcorp
Classification: Pathogenic for Citrin deficiency. Last evaluated: 2025-07-04. Review status: criteria provided, single submitter. Criteria: Invitae Variant Classification Sherloc (09022015). Collection method: clinical testing. Allele origin: germline.
Comment: This sequence change falls in intron 8 of the SLC25A13 gene. It does not directly change the encoded amino acid sequence of the SLC25A13 protein. It affects a nucleotide within the consensus splice site. This variant is present in population databases (rs369402461, gnomAD 0.01%). This variant has been observed in individual(s) with citrin deficiency (PMID: 18487280). In at least one individual the data is consistent with being in trans (on the opposite chromosome) from a pathogenic variant. ClinVar contains an entry for this variant (Variation ID: 850379). Variants that disrupt the consensus splice site are a relatively common cause of aberrant splicing (PMID: 17576681, 9536098). Algorithms developed to predict the effect of sequence changes on RNA splicing suggest that this variant may disrupt the consensus splice site. For these reasons, this variant has been classified as Pathogenic.

Baylor Genetics
Classification: Likely pathogenic for Citrullinemia, type II, adult-onset. Last evaluated: 2024-03-03. Review status: criteria provided, single submitter. Criteria: ACMG Guidelines, 2015. Collection method: clinical testing. Allele origin: unknown.

Fulgent Genetics
Classification: Likely pathogenic for Citrullinemia, type II, adult-onset; Neonatal intrahepatic cholestasis due to citrin deficiency. Last evaluated: 2024-02-22. Review status: criteria provided, single submitter. Criteria: ACMG Guidelines, 2015. Collection method: clinical testing. Allele origin: germline.

Baylor Genetics
Classification: Pathogenic for Neonatal intrahepatic cholestasis due to citrin deficiency. Last evaluated: 2023-07-02. Review status: criteria provided, single submitter. Criteria: ACMG Guidelines, 2015. Collection method: clinical testing. Allele origin: unknown.

Literature cited by the submitters: PubMed 18487280 (cited by 4 submitters); PubMed 19036621 (cited by 3 submitters); PubMed 17576681 (cited by Labcorp Genetics (formerly Invitae), Labcorp); PubMed 9536098 (cited by Labcorp Genetics (formerly Invitae), Labcorp).